The following is an entry in ClinVar:

NM_000875.5(IGF1R):c.1162G>C (p.Val388Leu)

Gene: IGF1R (insulin like growth factor 1 receptor; plus strand). Cytogenetic location: 15q26.3.
Variant type: single nucleotide variant.
Coding change: c.1162G>C on transcript NM_000875.5 (MANE Select); coding-DNA position 1162, G replaced by C.
Protein change: p.Val388Leu; replaces valine 388 with leucine.
Molecular consequence: missense variant.
Genome position (GRCh38, 1-based): chr15:98,899,536, G>C. VCF-style: chr15-98899536-G-C. GRCh37 (hg19) VCF-style: chr15-99442765-G-C.
Other names: c.1162G>C, p.Val388Leu (NM_001291858.2); short protein forms V388L.
Identifiers: ClinVar variation 5005496 (VCV005005496.2).

ClinVar aggregate classification (germline): Uncertain significance (1 of 4 stars; one submission).

Conditions:
Growth delay due to insulin-like growth factor I resistance. Also called: Somatomedin end-organ insensitivity to; Somatomedin-c resistance to; IGF-1 resistance; IGF-I RESISTANCE; Insulin-Like Growth Factor I Resistance. Identifiers: Orphanet 73273, MedGen C1849157, MONDO:0010038, OMIM 270450.

Submission:

Juno Genomics, Hangzhou Juno Genomics, Inc
Classification: Uncertain significance for Growth delay due to insulin-like growth factor I resistance. Review status: criteria provided, single submitter. Criteria: ACMG Guidelines, 2015. Collection method: clinical testing. Allele origin: germline.
Comment: Absent from controls (or at extremely low frequency if recessive) in Genome Aggregation Database.;Missense variant in a gene that has a low rate of benign missense variation.